The following is an entry in ClinVar:

NM_004444.5(EPHB4):c.2494G>C (p.Ala832Pro)

Genes: EPHB4 (EPH receptor B4; minus strand), LOC126860124 (CDK7 strongly-dependent group 2 enhancer GRCh37_chr7:100403701-100404900; plus strand). Cytogenetic location: 7q22.1.
Variant type: single nucleotide variant.
Coding change: c.2494G>C on transcript NM_004444.5 (MANE Select); coding-DNA position 2494, G replaced by C.
Protein change: p.Ala832Pro; replaces alanine 832 with proline.
Molecular consequence: missense variant.
Genome position (GRCh38, 1-based): chr7:100,805,685, C>G on the plus strand (G>C on the coding strand, the complement: EPHB4 is on the minus strand). VCF-style: chr7-100805685-C-G. GRCh37 (hg19) VCF-style: chr7-100403307-C-G.
Other names: short protein forms A832P.
Identifiers: ClinVar variation 5007112 (VCV005007112.2).
Genomic context (GRCh38, chr7:100,805,685, plus strand): 5'-GCTGGTGGAGGGAGGTGGGACAGTCTGGGGGCGGGGGCAGCCGGTAGTCCTGTTCAATGG[C>G]ATTGATCACCTGGAAAGAGGGGAAGAAGCTCTGGGTGAGGCTGTCCAGGAAAAGCAAAGA-3'
Protein context (NP_004435.3, residues 822-842): WDMSNQDVIN[Ala832Pro]IEQDYRLPPP

ClinVar aggregate classification (germline): Uncertain significance (1 of 4 stars; one submission).

Conditions:
Capillary malformation-arteriovenous malformation 2 (CMAVM2). Identifiers: Orphanet 693912, MedGen C4748670, MONDO:0020785, OMIM 618196.
Lymphatic malformation 7 (LMPHM7). Also called: Hydrops fetalis, nonimmune, and/or atrial septal defect, susceptibility to. Identifiers: MedGen C4310629, MONDO:0015009, OMIM 617300.

Submission:

Juno Genomics, Hangzhou Juno Genomics, Inc
Classification: Uncertain significance for Capillary malformation-arteriovenous malformation 2; Lymphatic malformation 7. Review status: criteria provided, single submitter. Criteria: ACMG Guidelines, 2015. Collection method: clinical testing. Allele origin: germline.
Comment: Absent from controls (or at extremely low frequency if recessive) in Genome Aggregation Database.;Multiple lines of computational evidence support a deleterious effect on the gene or gene product.;Located in a mutational hot spot and/or critical and well-established functional domain without benign variation.